The following is an entry in ClinVar:

NM_001165963.4(SCN1A):c.5501C>T (p.Ala1834Val)

Genes: SCN1A (sodium voltage-gated channel alpha subunit 1; minus strand), LOC102724058 (uncharacterized LOC102724058; plus strand). Cytogenetic location: 2q24.3.
Variant type: single nucleotide variant.
Coding change: c.5501C>T on transcript NM_001165963.4 (MANE Select); coding-DNA position 5501, C replaced by T.
Protein change: p.Ala1834Val; replaces alanine 1834 with valine.
Molecular consequence: missense variant. On other transcripts: non-coding transcript variant (1).
Genome position (GRCh38, 1-based): chr2:165,991,774, G>A on the plus strand (C>T on the coding strand, the complement: SCN1A is on the minus strand). VCF-style: chr2-165991774-G-A. GRCh37 (hg19) VCF-style: chr2-166848284-G-A.
Other names: p.A1834V:GCG>GTG; c.5417C>T, p.Ala1806Val (NM_001165964.3, NM_001353957.2, NM_001353958.2); c.5501C>T, p.Ala1834Val (NM_001202435.3, NM_001353948.2); c.5468C>T, p.Ala1823Val (NM_001353949.2, NM_001353950.2, NM_001353951.2 and 2 more transcripts); c.5465C>T, p.Ala1822Val (NM_001353954.2, NM_001353955.2); c.5414C>T, p.Ala1805Val (NM_001353960.2); c.3059C>T, p.Ala1020Val (NM_001353961.2); short protein forms A1823V, A1834V, A1806V, A1822V, A1020V, A1805V.
Identifiers: ClinVar variation 206867 (VCV000206867.47), dbSNP rs780809852, ClinGen allele CA317613.

ClinVar aggregate classification (germline): Conflicting classifications of pathogenicity. Review status: criteria provided, conflicting classifications (1 of 4 stars). 9 submissions from 8 submitters: Likely pathogenic (2); Uncertain significance (7). Last evaluated 2025-10-24.

Conditions:
Generalized epilepsy with febrile seizures plus, type 2 (GEFSP2). Also called: GEFS+, TYPE 2. Identifiers: Orphanet 36387, MedGen C1858673, MONDO:0011461, OMIM 604403.
Severe myoclonic epilepsy in infancy (DRVT). Also called: Epileptic encephalopathy, early infantile, 6 (Dravet syndrome); DEVELOPMENTAL AND EPILEPTIC ENCEPHALOPATHY 6A; Severe Myoclonic Epilepsy in Infancy (SMEI); SEVERE MYOCLONIC EPILEPSY OF INFANCY; Dravet syndrome. Identifiers: Orphanet 33069, MedGen C0751122, MONDO:0100135, OMIM 607208.
Developmental and epileptic encephalopathy 6B. Also called: Developmental and epileptic encephalopathy 6B, non-Dravet. Identifiers: MedGen C5543353, MONDO:0030268, OMIM 619317.
Early-infantile DEE. Also called: Ohtahara syndrome; Early infantile epileptic encephalopathy; Early infantile epileptic encephalopathy with suppression bursts. Identifiers: Orphanet 1934, MedGen C0393706, MONDO:0800491.

Allele frequency attached by ClinVar (database versions not stated): gnomAD below 0.00001 and 0.00001; ExAC 0.00001; gnomAD exomes 0.00001 and 0.00002.
gnomAD v4.1: 26 of 1,613,778 alleles (0.0016%); highest among the groups gnomAD compares: South Asian, 0.0077%; no homozygotes.

Submissions (9):

GeneDx
Classification: Uncertain significance. Last evaluated: 2025-10-24. Review status: criteria provided, single submitter. Criteria: GeneDx Variant Classification Process June 2021. Collection method: clinical testing. Allele origin: germline. Affected: yes.
Comment: Reported in an individual with Dravet syndrome (PMID: 39299018); Variant identified in the homozygous state in multiple members of a consanguineous family in individuals with mild-to-moderate intellectual disability, weakness, congenital deafness, familial hemiplegic migraine, and febrile seizures; the variant is present in the heterozygous state in the parents who are reportedly unaffected (PMID: 27457812); This substitution is predicted to be within the C-terminal cytoplasmic domain; In silico analysis supports that this missense variant has a deleterious effect on protein structure/function; This variant is associated with the following publications: (PMID: 39299018, 27457812, 36820031)

Labcorp Genetics (formerly Invitae), Labcorp
Classification: Likely pathogenic for Early-infantile DEE. Last evaluated: 2025-10-01. Review status: criteria provided, single submitter. Criteria: Invitae Variant Classification Sherloc (09022015). Collection method: clinical testing. Allele origin: germline.
Comment: This sequence change replaces alanine, which is neutral and non-polar, with valine, which is neutral and non-polar, at codon 1834 of the SCN1A protein (p.Ala1834Val). This variant is present in population databases (rs780809852, gnomAD 0.006%). This missense change has been observed in individuals with clinical features of SCN1A-related conditions (PMID: 27457812, 36820031; internal data). ClinVar contains an entry for this variant (Variation ID: 206867). Invitae Evidence Modeling of protein sequence and biophysical properties (such as structural, functional, and spatial information, amino acid conservation, physicochemical variation, residue mobility, and thermodynamic stability) indicates that this missense variant is expected to disrupt SCN1A protein function with a positive predictive value of 95%. In summary, the currently available evidence indicates that the variant is pathogenic, but additional data are needed to prove that conclusively. Therefore, this variant has been classified as Likely Pathogenic.

Genomic Medicine Center of Excellence, King Faisal Specialist Hospital and Research Centre
Classification: Uncertain significance for Severe myoclonic epilepsy in infancy. Last evaluated: 2024-03-26. Review status: criteria provided, single submitter. Criteria: ACMG Guidelines, 2015. Collection method: clinical testing. Allele origin: germline.

Revvity Omics, Revvity
Classification: Uncertain significance. Last evaluated: 2023-11-19. Review status: criteria provided, single submitter. Criteria: ACMG Guidelines, 2015. Collection method: clinical testing. Allele origin: germline.

Victorian Clinical Genetics Services, Murdoch Childrens Research Institute
Classification: Uncertain significance for Developmental and epileptic encephalopathy 6B. Last evaluated: 2023-07-17. Review status: criteria provided, single submitter. Criteria: ACMG Guidelines, 2015. Collection method: clinical testing. Allele origin: germline. Inheritance: Autosomal dominant inheritance.
Comment: Based on the classification scheme VCGS_Germline_v1.3.4, this variant is classified as VUS-3B. Following criteria are met: 0103 - Loss of function and gain of function are known mechanisms of disease in this gene and are associated with SCN1A-related epilepsy (PMID: 28488083). (I) 0107 - This gene is associated with autosomal dominant disease. However, there is emerging evidence of a recessive mode of inheritance (PMID: 34917021, PMID: 34174751). (I) 0200 - Variant is predicted to result in a missense amino acid change from alanine to valine. (I) 0251 - This variant is heterozygous. (I) 0302 - Variant is present in gnomAD (v2, v3) <0.001 for a dominant condition (4 heterozygotes, 0 homozygotes). (SP) 0501 - Missense variant consistently predicted to be damaging by multiple in silico tools or highly conserved with a major amino acid change. (SP) 0604 - Variant is not located in an established domain, motif, hotspot or informative constraint region. (I) 0705 - No comparable missense variants have previous evidence for pathogenicity. (I) 0808 - Previous reports of pathogenicity for this variant are conflicting. This variant has been reported multiple times as a VUS, and once as likely pathogenic (LOVD, ClinVar), and has been observed in a heterozygous individual with moyamoya disease and a partial trisomy 13 (PMID: 36820031). It has also been observed in a single homozygous family with intellectual disability (PMID: 27457812). (I) 0901 - This variant has strong evidence for segregation with disease. This variant has segregated within a single family with three homozygous individuals with intellectual disability, where heterozygous individuals were not reported as affected (PMID: 27457812). (SP) 1007 - No published functional evidence has been identified for this variant. (I) 1208 - Inheritance information for this variant is not currently available in this individual. (I) Legend: (SP) - Supporting pathogenic, (I) - Information, (SB) - Supporting benign

CeGaT Center for Human Genetics Tuebingen
Classification: Uncertain significance. Last evaluated: 2022-03-01. Review status: criteria provided, single submitter. Criteria: CeGaT Center For Human Genetics Tuebingen Variant Classification Criteria Version 2. Collection method: clinical testing. Allele origin: germline. Affected: yes. Observed: 1 variant allele.
Comment: SCN1A: PP2, PP3

Genomic Research Center, Shahid Beheshti University of Medical Sciences
Classification: Uncertain significance for Generalized epilepsy with febrile seizures plus, type 2. Last evaluated: 2018-08-07. Review status: criteria provided, single submitter. Criteria: ACMG Guidelines, 2015. Collection method: clinical testing. Allele origin: unknown. Affected: yes. Observed: 1 variant allele.

Genomic Research Center, Shahid Beheshti University of Medical Sciences
Classification: Uncertain significance for Severe myoclonic epilepsy in infancy. Last evaluated: 2018-08-07. Review status: criteria provided, single submitter. Criteria: ACMG Guidelines, 2015. Collection method: clinical testing. Allele origin: unknown. Affected: yes. Observed: 1 variant allele.

Lifecell International Pvt. Ltd
Classification: Likely pathogenic for Developmental and epileptic encephalopathy 6B; Severe myoclonic epilepsy in infancy; Generalized epilepsy with febrile seizures plus, type 2. Review status: criteria provided, single submitter. Criteria: ACMG Guidelines, 2015. Collection method: clinical testing. Allele origin: germline. Inheritance: Autosomal dominant inheritance. Affected: yes. Observed: 1 heterozygote.
Comment: The missense variant NM_001165963.4 (SCN1A):c.5501C>T (p.Ala1834Val) has not been reported previously as a pathogenic variant nor as a benign variant, to our knowledge. The p.Ala1834Val variant is observed in 2/30,616 (0.0065%) alleles from individuals of gnomAD South Asian background in gnomAD. The p.Ala1834Val variant is novel (not in any individuals) in 1kG. There is a small physicochemical difference between alanine and valine, which is not likely to impact secondary protein structure as these residues share similar properties. The gene SCN1A has a low rate of benign missense variation as indicated by a high missense variants Z-Score of 5.22. Missense Variants Z-Score is produced by the Exome Aggregation Consortium (60,706 adult humans) by computing a signed Z score for the deviation of observed counts from the expected number. Positive Z scores indicate increased constraint (intolerance to variation) and therefore that the gene had fewer missense variants than expected. (DOI: 10.1038/nature19057). The Missense Badness and MPC scores for this variant is 0.35 and 1.56 respectively. Missense Badness Score is the normalized fold difference of missense substitutions between observed and expected variants from ExAC dataset. This score is then combined with orthogonal deleteriousness metrics into one score called MPC (for Missense badness, PolyPhen-2, and Constraint) designed to classify whether a missense variants is deleterious.Variants with MPC ≥ 2 have a rate nearly 6 times higher in cases than in controls. While those with intermediate MPC values (1 ≤ MPC < 2) have a more modest excess in cases. The gene SCN1A contains 537 pathogenic missense variants, indicating that missense variants are a common mechanism of disease in this gene. 4 variants within 6 amino acid positions of the variant p.Ala1834Val have been shown to be pathogenic, while none have been shown to be benign. The p.Ala1834Val missense variant is predicted to be damaging by both SIFT and PolyPhen2. The alanine residue at codon 1834 of SCN1A is conserved in all mammalian species. The nucleotide c.5501 in SCN1A is predicted conserved by GERP++ and PhyloP across 100 vertebrates. For these reasons, this variant has been classified as Likely Pathogenic.

Literature cited by the submitters: PubMed 27457812 (cited by Labcorp Genetics (formerly Invitae), Labcorp and Victorian Clinical Genetics Services, Murdoch Childrens Research Institute); PubMed 36820031 (cited by Labcorp Genetics (formerly Invitae), Labcorp and Victorian Clinical Genetics Services, Murdoch Childrens Research Institute); PubMed 28488083 (cited by Victorian Clinical Genetics Services, Murdoch Childrens Research Institute); PubMed 34174751 (cited by Victorian Clinical Genetics Services, Murdoch Childrens Research Institute); PubMed 34917021 (cited by Victorian Clinical Genetics Services, Murdoch Childrens Research Institute).